The following is an entry in ClinVar:

NM_198428.3(BBS9):c.769G>A (p.Ala257Thr)

Gene: BBS9 (Bardet-Biedl syndrome 9; plus strand). Cytogenetic location: 7p14.3.
Variant type: single nucleotide variant.
Coding change: c.769G>A on transcript NM_198428.3 (MANE Select); coding-DNA position 769, G replaced by A.
Protein change: p.Ala257Thr; replaces alanine 257 with threonine.
Molecular consequence: missense variant. On other transcripts: non-coding transcript variant (3).
Genome position (GRCh38, 1-based): chr7:33,273,078, G>A. VCF-style: chr7-33273078-G-A. GRCh37 (hg19) VCF-style: chr7-33312690-G-A.
Other names: c.769G>A, p.Ala257Thr (NM_001033604.2, NM_001033605.2, NM_001348036.1 and 5 more transcripts); c.403G>A, p.Ala135Thr (NM_001348037.3, NM_001348044.3, NM_001348045.3 and 1 more transcripts); c.496G>A, p.Ala166Thr (NM_001348038.3, NM_001348039.3); c.634G>A, p.Ala212Thr (NM_001348042.3); short protein forms A135T, A166T, A212T, A257T.
Identifiers: ClinVar variation 4997199 (VCV004997199.1).
Genomic context (GRCh38, chr7:33,273,078, plus strand): 5'-TGGACTCTAAATATTGGAGAGCAAGCCCTTGACATATGTATTGTCTCTTTCAATCAGTCG[G>A]CATCCTCTGTTTTTGTTCTTGGTGAGAGAAACTTTTTTTGCCTTAAGGATAATGGACAAA-3'
Protein context (NP_940820.1, residues 247-267): DICIVSFNQS[Ala257Thr]SSVFVLGERN

ClinVar aggregate classification (germline): Uncertain significance (1 of 4 stars; one submission).

Conditions:
BBS9-related disorder. Also called: BBS9-related condition.

Submission:

PreventionGenetics, part of Exact Sciences
Classification: Uncertain significance for BBS9-related condition. Last evaluated: 2025-05-07. Review status: criteria provided, single submitter. Criteria: ACMG Guidelines, 2015. Collection method: clinical testing. Allele origin: germline.
Comment: The BBS9 c.769G>A variant is predicted to result in the amino acid substitution p.Ala257Thr. To our knowledge, this variant has not been reported in the literature or in a large population database (gnomAD), indicating this variant is rare. At this time, the clinical significance of this variant is uncertain due to the absence of conclusive functional and genetic evidence.